The following is an entry in ClinVar:

ClinVar aggregate classification (germline): Pathogenic/Likely pathogenic. Review status: criteria provided, multiple submitters, no conflicts (2 of 4 stars). 3 submissions from 3 submitters: Pathogenic (1); Likely pathogenic (2). Last evaluated 2026-06-15.

Conditions:
X-linked Alport syndrome (ATS1). Also called: COL4A5-Related Nephropathy; NEPHROPATHY AND DEAFNESS, X-LINKED. Identifiers: Orphanet 63, Orphanet 88917, MedGen C4746986, MONDO:0010520, OMIM 301050.

Submissions (3):

Centre de Génétique Humaine, Institut de Pathologie Et de Génétique
Classification: Likely pathogenic for X-linked Alport syndrome. Last evaluated: 2026-06-15. Review status: criteria provided, single submitter. Criteria: ACMG Guidelines, 2015. Collection method: clinical testing. Allele origin: germline. Inheritance: X-linked dominant inheritance. Affected: yes. Observed: 1 variant allele, 1 hemizygote. Segregation with disease not observed.
Comment: This missense variant involves a highly conserved glycine located in a ‘Gly-X-Y’ motif in collagenous region, which is characteristic of the pathogenic variants identified in the COL4A5 gene (PM1,PP2). This variant is rare: absent in gnomAD v4.1.0 database (PM2). Another missense variant affecting the same residue described as LP: c.1139G>A, p.Gly380Asp, PMID: 17660027 (PM5). In silico analysis supports that this missense variant has a deleterious effect (PP3).

3billion
Classification: Likely pathogenic for X-linked Alport syndrome. Last evaluated: 2025-07-28. Review status: criteria provided, single submitter. Criteria: ACMG Guidelines, 2015. Collection method: clinical testing. Allele origin: germline. Affected: yes.
Comment: The variant is not observed in the gnomAD v4.1.0 dataset. Predicted Consequence/Location: The variant is located in a mutational hot spot and/or well-established functional domain in which established pathogenic variants have been reported. In silico tool predictions suggest damaging effect of the variant on gene or gene product [REVEL: 0.98 (>=0.6, sensitivity 0.68 and specificity 0.92); 3Cnet: 0.94 (> 0.75, sensitivity 0.96 and precision 0.92)]. The same nucleotide change resulting in the same amino acid change has been previously reported to be associated with COL4A5-related disorder (ClinVar ID: VCV003597884 /PMID: 37100867 /3billion dataset).Different missense changes at the same codon (p.Gly380Arg, p.Gly380Asp, p.Gly380Cys) have been reported as pathogenic/likely pathogenic with strong evidence (ClinVar ID: VCV000949477, VCV001685655, VCV003373712 /PMID: 17660027). Therefore, this variant is classified as Likely pathogenic according to the recommendation of ACMG/AMP guideline.

Fulgent Genetics
Classification: Pathogenic for X-linked Alport syndrome. Last evaluated: 2024-05-02. Review status: criteria provided, single submitter. Criteria: ACMG Guidelines, 2015. Collection method: clinical testing. Allele origin: germline.

Literature cited by the submitters: PubMed 37100867 (cited by Centre de Génétique Humaine, Institut de Pathologie Et de Génétique and 3billion); PubMed 17660027 (cited by 3billion).

NM_033380.3(COL4A5):c.1138G>A (p.Gly380Ser)

Gene: COL4A5 (collagen type IV alpha 5 chain; plus strand). Cytogenetic location: Xq22.3.
Variant type: single nucleotide variant.
Coding change: c.1138G>A on transcript NM_033380.3 (MANE Select); coding-DNA position 1138, G replaced by A.
Protein change: p.Gly380Ser; replaces glycine 380 with serine.
Molecular consequence: missense variant.
Genome position (GRCh38, 1-based): chrX:108,586,720, G>A. VCF-style: chrX-108586720-G-A. GRCh37 (hg19) VCF-style: chrX-107829950-G-A.
Other names: p.(Gly380Ser); c.1138G>A, p.Gly380Ser (NM_000495.5); short protein forms G380S.
Identifiers: ClinVar variation 3597884 (VCV003597884.4).